The following is an entry in ClinVar:

NM_021076.4(NEFH):c.1955_1972dup (p.Lys657_Glu658insAlaLysSerProGluLys)

Gene: NEFH (neurofilament heavy chain; plus strand). Cytogenetic location: 22q12.2.
Variant type: Duplication.
Coding change: c.1955_1972dup on transcript NM_021076.4 (MANE Select); coding-DNA positions 1955 to 1972, 18 bases duplicated (CCAAGTCCCCAGAGAAGG).
Protein change: p.Lys657_Glu658insAlaLysSerProGluLys.
Molecular consequence: inframe insertion.
Genome position (GRCh38, 1-based): chr22:29,489,595-29,489,612, CCAAGTCCCCAGAGAAGG duplicated; duplicating any 18 consecutive bases within chr22:29,489,588-29,489,612 gives the same sequence; the c. name uses the placement nearest the transcript's 3' end. VCF-style (leftmost placement, unchanged base first): chr22-29489587-T-TGAGAAGGCCAAGTCCCCA. GRCh37 (hg19) VCF-style: chr22-29885576-T-TGAGAAGGCCAAGTCCCCA.
Identifiers: ClinVar variation 5000466 (VCV005000466.1).

ClinVar aggregate classification (germline): Benign (1 of 4 stars; one submission).

Conditions:
NEFH-related disorder. Also called: NEFH-related condition.

Submission:

PreventionGenetics, part of Exact Sciences
Classification: Benign for NEFH-related condition. Last evaluated: 2024-10-10. Review status: criteria provided, single submitter. Criteria: ACMG Guidelines, 2015. Collection method: clinical testing. Allele origin: germline.
Comment: This variant is classified as benign based on ACMG/AMP sequence variant interpretation guidelines (Richards et al. 2015 PMID: 25741868, with internal and published modifications).